The following is an entry in ClinVar:

ClinVar aggregate classification (germline): Uncertain significance. Review status: criteria provided, multiple submitters, no conflicts (2 of 4 stars). 3 submissions from 3 submitters: Uncertain significance (3). Last evaluated 2026-07-23.

Conditions:
BLVRA-related disorder. Also called: BLVRA-related condition.

gnomAD v4.1: 53 of 1,613,706 alleles (0.0033%); highest among the groups gnomAD compares: Non-Finnish European, 0.0042%; no homozygotes.

Submissions (3):

PreventionGenetics, part of Exact Sciences
Classification: Uncertain significance for BLVRA-related condition. Last evaluated: 2026-07-23. Review status: criteria provided, single submitter. Criteria: ACMG Guidelines, 2015. Collection method: clinical testing. Allele origin: germline.
Comment: The BLVRA c.446C>T variant is predicted to result in the amino acid substitution p.Ser149Leu. To our knowledge, this variant has not been reported in the literature. This variant is reported in 0.0031% of alleles in individuals of European (Non-Finnish) descent in gnomAD. At this time, the clinical significance of this variant is uncertain due to the absence of conclusive functional and genetic evidence.

Ambry Genetics
Classification: Uncertain significance. Last evaluated: 2025-01-27. Review status: criteria provided, single submitter. Criteria: Ambry Variant Classification Scheme 2023. Collection method: clinical testing. Allele origin: germline.

Labcorp Genetics (formerly Invitae), Labcorp
Classification: Uncertain significance. Last evaluated: 2024-03-23. Review status: criteria provided, single submitter. Criteria: Invitae Variant Classification Sherloc (09022015). Collection method: clinical testing. Allele origin: germline.
Comment: This sequence change replaces serine, which is neutral and polar, with leucine, which is neutral and non-polar, at codon 149 of the BLVRA protein (p.Ser149Leu). This variant is present in population databases (rs746796433, gnomAD 0.003%). This variant has not been reported in the literature in individuals affected with BLVRA-related conditions. An algorithm developed to predict the effect of missense changes on protein structure and function (PolyPhen-2) suggests that this variant is likely to be tolerated. In summary, the available evidence is currently insufficient to determine the role of this variant in disease. Therefore, it has been classified as a Variant of Uncertain Significance.

NM_000712.4(BLVRA):c.446C>T (p.Ser149Leu)

Gene: BLVRA (biliverdin reductase A; plus strand). Cytogenetic location: 7p13.
Variant type: single nucleotide variant.
Coding change: c.446C>T on transcript NM_000712.4 (MANE Select); coding-DNA position 446, C replaced by T.
Protein change: p.Ser149Leu; replaces serine 149 with leucine.
Molecular consequence: missense variant.
Genome position (GRCh38, 1-based): chr7:43,800,558, C>T. VCF-style: chr7-43800558-C-T. GRCh37 (hg19) VCF-style: chr7-43840157-C-T.
Other names: c.446C>T, p.Ser149Leu (NM_001253823.2); c.446C>T (NM_000712.3); short protein forms S149L.
Identifiers: ClinVar variation 3703978 (VCV003703978.4).
Genomic context (GRCh38, chr7:43,800,558, plus strand): 5'-TGATGGAGGAATTCGCTTTCCTGAAAAAAGAAGTGGTGGGGAAAGACCTGCTGAAAGGGT[C>T]GCTCCTCTTCACAGGTCAGTGCTACGTGGGATCACAGGTCACATGTGAGGTCCAAAGACC-3'
Protein context (NP_000703.2, residues 139-159): EVVGKDLLKG[Ser149Leu]LLFTAGPLEE